The following is an entry in ClinVar:

ClinVar aggregate classification (germline): Uncertain significance. Review status: criteria provided, multiple submitters, no conflicts (2 of 4 stars). 2 submissions from 2 submitters: Uncertain significance (2). Last evaluated 2024-08-27.

Conditions:
Inborn genetic diseases. Identifiers: MedGen C0950123, MeSH D030342.

Allele frequency attached by ClinVar (database versions not stated): gnomAD exomes 0.00001; gnomAD 0.00003 and 0.00004; TOPMed 0.00003; ExAC 0.00004; ESP Exome Variant Server 0.00008.

Submissions (2):

Ambry Genetics
Classification: Uncertain significance for Inborn genetic diseases. Last evaluated: 2024-08-27. Review status: criteria provided, single submitter. Criteria: Ambry Variant Classification Scheme 2023. Collection method: clinical testing. Allele origin: germline.

Labcorp Genetics (formerly Invitae), Labcorp
Classification: Uncertain significance. Last evaluated: 2022-05-03. Review status: criteria provided, single submitter. Criteria: Invitae Variant Classification Sherloc (09022015). Collection method: clinical testing. Allele origin: germline.
Comment: This sequence change replaces serine, which is neutral and polar, with leucine, which is neutral and non-polar, at codon 1800 of the MPDZ protein (p.Ser1800Leu). The frequency data for this variant in the population databases is considered unreliable, as metrics indicate poor data quality at this position in the gnomAD database. This variant has not been reported in the literature in individuals affected with MPDZ-related conditions. Algorithms developed to predict the effect of missense changes on protein structure and function (SIFT, PolyPhen-2, Align-GVGD) all suggest that this variant is likely to be disruptive. In summary, the available evidence is currently insufficient to determine the role of this variant in disease. Therefore, it has been classified as a Variant of Uncertain Significance.

NM_001378778.1(MPDZ):c.5486C>T (p.Ser1829Leu)

Gene: MPDZ (multiple PDZ domain crumbs cell polarity complex component; minus strand). Cytogenetic location: 9p23.
Variant type: single nucleotide variant.
Coding change: c.5486C>T on transcript NM_001378778.1 (MANE Select); coding-DNA position 5486, C replaced by T.
Protein change: p.Ser1829Leu; replaces serine 1829 with leucine.
Molecular consequence: missense variant.
Genome position (GRCh38, 1-based): chr9:13,114,002, G>A on the plus strand (C>T on the coding strand, the complement: MPDZ is on the minus strand). VCF-style: chr9-13114002-G-A. GRCh37 (hg19) VCF-style: chr9-13114001-G-A.
Other names: c.5387C>T, p.Ser1796Leu (NM_001261406.2, NM_001375416.1, NM_001375417.1 and 1 more transcripts); c.5300C>T, p.Ser1767Leu (NM_001261407.2, NM_001375419.1); c.5486C>T, p.Ser1829Leu (NM_001330637.2); c.5585C>T, p.Ser1862Leu (NM_001375413.1); c.5276C>T, p.Ser1759Leu (NM_001375420.1, NM_001375421.1, NM_001375422.1 and 2 more transcripts); c.5189C>T, p.Ser1730Leu (NM_001375425.1, NM_001375426.1); c.5078C>T, p.Ser1693Leu (NM_001375427.1); c.5399C>T, p.Ser1800Leu (NM_003829.5); and 1 more; short protein forms S1829L, S1730L, S1796L, S1693L, S1759L, S1767L, S1800L, S1862L.
Identifiers: ClinVar variation 1523919 (VCV001523919.6), dbSNP rs373812826, ClinGen allele CA4986247.
Genomic context (GRCh38, chr9:13,114,002, plus strand): 5'-TTTGAGCTACTTTCCAGTGACTCAGATGTACTGGATCCAGAGAGTGGAAAAGTGAAAGAT[G>A]ACAGGCTGCCTTCACTCACCTACAAATATACAACAATTATTTCAGAAGGTTTTGCAAGTA-3'
Protein context (NP_001365707.1, residues 1819-1839): QSSQVSEGSL[Ser1829Leu]SFTFPLSGSS